The following is an entry in ClinVar:

NM_153676.4(USH1C):c.976G>A (p.Glu326Lys)

Gene: USH1C (USH1 protein network component harmonin; minus strand). Cytogenetic location: 11p15.1.
Variant type: single nucleotide variant.
Coding change: c.976G>A on transcript NM_153676.4 (MANE Select); coding-DNA position 976, G replaced by A.
Protein change: p.Glu326Lys; replaces glutamic acid 326 with lysine.
Molecular consequence: missense variant. On other transcripts: non-coding transcript variant (1).
Genome position (GRCh38, 1-based): chr11:17,522,827, C>T on the plus strand (G>A on the coding strand, the complement: USH1C is on the minus strand). VCF-style: chr11-17522827-C-T. GRCh37 (hg19) VCF-style: chr11-17544374-C-T.
Other names: c.919G>A, p.Glu307Lys (NM_001297764.2); c.976G>A, p.Glu326Lys (NM_005709.4); short protein forms E307K, E326K.
Identifiers: ClinVar variation 1374849 (VCV001374849.8), dbSNP rs2133876297, ClinGen allele CA379787342.

ClinVar aggregate classification (germline): Uncertain significance (1 of 4 stars; one submission).

Submission:

Labcorp Genetics (formerly Invitae), Labcorp
Classification: Uncertain significance. Last evaluated: 2022-03-22. Review status: criteria provided, single submitter. Criteria: Invitae Variant Classification Sherloc (09022015). Collection method: clinical testing. Allele origin: germline.
Comment: This sequence change replaces glutamic acid, which is acidic and polar, with lysine, which is basic and polar, at codon 326 of the USH1C protein (p.Glu326Lys). In summary, the available evidence is currently insufficient to determine the role of this variant in disease. Therefore, it has been classified as a Variant of Uncertain Significance. Algorithms developed to predict the effect of missense changes on protein structure and function are either unavailable or do not agree on the potential impact of this missense change (SIFT: "Tolerated"; PolyPhen-2: "Possibly Damaging"; Align-GVGD: "Class C0"). This variant has not been reported in the literature in individuals affected with USH1C-related conditions. This variant is not present in population databases (gnomAD no frequency).